The following is an entry in ClinVar:

ClinVar aggregate classification (germline): Uncertain significance. Review status: criteria provided, multiple submitters, no conflicts (2 of 4 stars). 2 submissions from 2 submitters: Uncertain significance (2). Last evaluated 2025-09-26.

gnomAD v4.1: 25 of 1,604,206 alleles (0.0016%); highest among the groups gnomAD compares: Non-Finnish European, 0.002%; no homozygotes.

Submissions (2):

Ambry Genetics
Classification: Uncertain significance. Last evaluated: 2025-09-26. Review status: criteria provided, single submitter. Criteria: Ambry Variant Classification Scheme 2023. Collection method: clinical testing. Allele origin: germline.

Labcorp Genetics (formerly Invitae), Labcorp
Classification: Uncertain significance. Last evaluated: 2023-10-13. Review status: criteria provided, single submitter. Criteria: Invitae Variant Classification Sherloc (09022015). Collection method: clinical testing. Allele origin: germline.
Comment: This sequence change replaces arginine, which is basic and polar, with leucine, which is neutral and non-polar, at codon 12 of the KIF22 protein (p.Arg12Leu). This variant is present in population databases (rs753183645, gnomAD 0.01%). This variant has not been reported in the literature in individuals affected with KIF22-related conditions. An algorithm developed to predict the effect of missense changes on protein structure and function (PolyPhen-2) suggests that this variant is likely to be disruptive. In summary, the available evidence is currently insufficient to determine the role of this variant in disease. Therefore, it has been classified as a Variant of Uncertain Significance.

NM_007317.3(KIF22):c.35G>T (p.Arg12Leu)

Gene: KIF22 (kinesin family member 22; plus strand). Cytogenetic location: 16p11.2.
Variant type: single nucleotide variant.
Coding change: c.35G>T on transcript NM_007317.3 (MANE Select); coding-DNA position 35, G replaced by T.
Protein change: p.Arg12Leu; replaces arginine 12 with leucine.
Molecular consequence: missense variant. On other transcripts: 5 prime UTR variant (1).
Genome position (GRCh38, 1-based): chr16:29,790,794, G>T. VCF-style: chr16-29790794-G-T. GRCh37 (hg19) VCF-style: chr16-29802115-G-T.
Other names: c.-219G>T (NM_001256269.2); c.35G>T (NM_007317.1); short protein forms R12L.
Identifiers: ClinVar variation 2883955 (VCV002883955.4), dbSNP rs753183645, ClinGen allele CA7992868.
Genomic context (GRCh38, chr16:29,790,794, plus strand): 5'-AGAGGCGGGCCCAAGGAGGGAGTGGAATGGCCGCGGGCGGCTCGACGCAGCAGAGGCGAC[G>T]CGAGATGGCGGCAGCTTCAGCGGCGGCGATCTCAGGTACTTGAGCCCGGCCTGGGCAAGG-3'
Protein context (NP_015556.1, residues 2-22): AAGGSTQQRR[Arg12Leu]EMAAASAAAI